The following is an entry in ClinVar:

NM_000260.4(MYO7A):c.2586+1G>A

Gene: MYO7A (myosin VIIA; plus strand). Cytogenetic location: 11q13.5.
Variant type: single nucleotide variant.
Coding change: c.2586+1G>A on transcript NM_000260.4 (MANE Select); the canonical splice donor site of the intron after coding-DNA position 2586, G replaced by A.
Molecular consequence: splice donor variant.
Genome position (GRCh38, 1-based): chr11:77,179,954, G>A. VCF-style: chr11-77179954-G-A. GRCh37 (hg19) VCF-style: chr11-76891000-G-A.
Other names: c.2553+1G>A (NM_001369365.1); c.2586+1G>A (NM_001127180.2).
Identifiers: ClinVar variation 1524250 (VCV001524250.8), dbSNP rs2135473984, ClinGen allele CA381942085.

ClinVar aggregate classification (germline): Likely pathogenic (1 of 4 stars; one submission).

Submission:

Labcorp Genetics (formerly Invitae), Labcorp
Classification: Likely pathogenic. Last evaluated: 2025-08-30. Review status: criteria provided, single submitter. Criteria: Invitae Variant Classification Sherloc (09022015). Collection method: clinical testing. Allele origin: germline.
Comment: This sequence change affects a donor splice site in intron 21 of the MYO7A gene. It is expected to disrupt RNA splicing. Variants that disrupt the donor or acceptor splice site typically lead to a loss of protein function (PMID: 16199547), and loss-of-function variants in MYO7A are known to be pathogenic (PMID: 8900236, 25404053). This variant is not present in population databases (gnomAD no frequency). This variant has not been reported in the literature in individuals affected with MYO7A-related conditions. ClinVar contains an entry for this variant (Variation ID: 1524250). Algorithms developed to predict the effect of sequence changes on RNA splicing suggest that this variant may disrupt the consensus splice site. In summary, the currently available evidence indicates that the variant is pathogenic, but additional data are needed to prove that conclusively. Therefore, this variant has been classified as Likely Pathogenic.

Literature cited by the submitters: PubMed 16199547; PubMed 8900236; PubMed 25404053.